The following is an entry in ClinVar:

ClinVar aggregate classification (germline): Uncertain significance. Review status: criteria provided, multiple submitters, no conflicts (2 of 4 stars). 3 submissions from 3 submitters: Uncertain significance (3). Last evaluated 2025-10-25.

Conditions:
Inborn genetic diseases. Identifiers: MedGen C0950123, MeSH D030342.
Mitochondrial trifunctional protein deficiency. Identifiers: Orphanet 746, MedGen C1969443, MONDO:0012172.

Allele frequency attached by ClinVar (database versions not stated): ExAC 0.00001; gnomAD exomes 0.00001; gnomAD 0.00003; ESP Exome Variant Server 0.00008; TOPMed 0.00012.
gnomAD v4.1: 17 of 1,613,792 alleles (0.0011%); highest among the groups gnomAD compares: Admixed American, 0.012%; no homozygotes.

Submissions (3):

Ambry Genetics
Classification: Uncertain significance for Inborn genetic diseases. Last evaluated: 2025-10-25. Review status: criteria provided, single submitter. Criteria: Ambry Variant Classification Scheme 2023. Collection method: clinical testing. Allele origin: germline.

Labcorp Genetics (formerly Invitae), Labcorp
Classification: Uncertain significance for Mitochondrial trifunctional protein deficiency. Last evaluated: 2022-06-25. Review status: criteria provided, single submitter. Criteria: Invitae Variant Classification Sherloc (09022015). Collection method: clinical testing. Allele origin: germline.
Comment: This sequence change replaces alanine, which is neutral and non-polar, with glycine, which is neutral and non-polar, at codon 440 of the HADHB protein (p.Ala440Gly). This variant is present in population databases (rs370682967, gnomAD 0.01%). This variant has not been reported in the literature in individuals affected with HADHB-related conditions. Algorithms developed to predict the effect of missense changes on protein structure and function (SIFT, PolyPhen-2, Align-GVGD) all suggest that this variant is likely to be tolerated. In summary, the available evidence is currently insufficient to determine the role of this variant in disease. Therefore, it has been classified as a Variant of Uncertain Significance.

Blueprint Genetics
Classification: Uncertain significance. Last evaluated: 2020-02-14. Review status: criteria provided, single submitter. Criteria: ACMG Guidelines, 2015. Collection method: clinical testing. Allele origin: germline.

NM_000183.3(HADHB):c.1319C>G (p.Ala440Gly)

Gene: HADHB (hydroxyacyl-CoA dehydrogenase trifunctional multienzyme complex subunit beta; plus strand). Cytogenetic location: 2p23.3.
Variant type: single nucleotide variant.
Coding change: c.1319C>G on transcript NM_000183.3 (MANE Select); coding-DNA position 1319, C replaced by G.
Protein change: p.Ala440Gly; replaces alanine 440 with glycine.
Molecular consequence: missense variant.
Genome position (GRCh38, 1-based): chr2:26,285,501, C>G. VCF-style: chr2-26285501-C-G. GRCh37 (hg19) VCF-style: chr2-26508369-C-G.
Other names: c.1274C>G, p.Ala425Gly (NM_001281512.2); c.1253C>G, p.Ala418Gly (NM_001281513.2); c.1319C>G (NM_000183.2); short protein forms A425G, A418G, A440G.
Identifiers: ClinVar variation 2199878 (VCV002199878.3), dbSNP rs370682967, ClinGen allele CA1560512.
Genomic context (GRCh38, chr2:26,285,501, plus strand): 5'-GGGGTGGATCTCTGTCCCTGGGACACCCATTTGGAGCCACTGGCTGCAGGTTGGTCATGG[C>G]TGCTGCCAACAGATTACGGAAAGAAGGAGGCCAGTATGGCTTAGTGGCTGCGTGTGCAGC-3'
Protein context (NP_000174.1, residues 430-450): FGATGCRLVM[Ala440Gly]AANRLRKEGG